The following is an entry in ClinVar:

NM_000038.6(APC):c.1538T>A (p.Val513Glu)

Gene: APC (APC regulator of Wnt signaling pathway; plus strand). Cytogenetic location: 5q22.2.
Variant type: single nucleotide variant.
Coding change: c.1538T>A on transcript NM_000038.6 (MANE Select); coding-DNA position 1538, T replaced by A.
Protein change: p.Val513Glu; replaces valine 513 with glutamic acid.
Molecular consequence: missense variant.
Genome position (GRCh38, 1-based): chr5:112,827,237, T>A. VCF-style: chr5-112827237-T-A. GRCh37 (hg19) VCF-style: chr5-112162934-T-A.
Other names: c.1538T>A, p.Val513Glu (NM_001127510.3, NM_001354895.2, NM_001407450.1); c.1484T>A, p.Val495Glu (NM_001127511.3); c.1592T>A, p.Val531Glu (NM_001354896.2, NM_001407447.1, NM_001407448.1 and 1 more transcripts); c.1568T>A, p.Val523Glu (NM_001354897.2); c.1463T>A, p.Val488Glu (NM_001354898.2); c.1454T>A, p.Val485Glu (NM_001354899.2); c.1415T>A, p.Val472Glu (NM_001354900.2); c.1361T>A, p.Val454Glu (NM_001354901.2, NM_001407453.1); and 11 more; short protein forms V384E, V472E, V513E, V230E, V387E, V430E, V454E, V495E.
Identifiers: ClinVar variation 5025492 (VCV005025492.1).

ClinVar aggregate classification (germline): Uncertain significance (1 of 4 stars; one submission).

Conditions:
Hereditary cancer-predisposing syndrome. Also called: Neoplastic Syndromes, Hereditary; Tumor predisposition; Hereditary neoplastic syndrome; Hereditary Cancer Syndrome. Identifiers: Orphanet 140162, MedGen C0027672, MeSH D009386, MONDO:0015356.

gnomAD v4.1: 1 of 1,613,878 alleles (0.000062%); no homozygotes.

Submission:

Ambry Genetics
Classification: Uncertain significance for Hereditary cancer-predisposing syndrome. Last evaluated: 2026-07-20. Review status: criteria provided, single submitter. Criteria: Ambry Variant Classification Scheme 2023. Collection method: clinical testing. Allele origin: germline.
Comment: The p.V513E variant (also known as c.1538T>A), located in coding exon 11 of the APC gene, results from a T to A substitution at nucleotide position 1538. The valine at codon 513 is replaced by glutamic acid, an amino acid with dissimilar properties. This amino acid position is conserved. In addition, in silico predictors for this gene do not accurately predict pathogenicity. Based on the available evidence, the clinical significance of this variant remains unclear.